The following is an entry in ClinVar:

NM_017636.4(TRPM4):c.294T>A (p.Asp98Glu)

Gene: TRPM4 (transient receptor potential cation channel subfamily M member 4; plus strand). Cytogenetic location: 19q13.33.
Variant type: single nucleotide variant.
Coding change: c.294T>A on transcript NM_017636.4 (MANE Select); coding-DNA position 294, T replaced by A.
Protein change: p.Asp98Glu; replaces aspartic acid 98 with glutamic acid.
Molecular consequence: missense variant. On other transcripts: intron variant (4).
Genome position (GRCh38, 1-based): chr19:49,167,943, T>A. VCF-style: chr19-49167943-T-A. GRCh37 (hg19) VCF-style: chr19-49671200-T-A.
Other names: c.294T>A, p.Asp98Glu (NM_001195227.2); c.-1105-317T>A (NM_001321282.2); c.268-610T>A (NM_001321281.2); c.-74-317T>A (NM_001321283.2); c.-237-610T>A (NM_001321285.2); short protein forms D98E.
Identifiers: ClinVar variation 1045237 (VCV001045237.9), dbSNP rs940653559, ClinGen allele CA309430646.

ClinVar aggregate classification (germline): Uncertain significance. Review status: criteria provided, multiple submitters, no conflicts (2 of 4 stars). 2 submissions from 2 submitters: Uncertain significance (2). Last evaluated 2023-07-24.

Conditions:
Cardiovascular phenotype. Identifiers: MedGen CN230736.
Progressive familial heart block type IB (PFHB1B). Identifiers: Orphanet 871, MedGen C1970298, MONDO:0011474, OMIM 604559.

Allele frequency attached by ClinVar (database versions not stated): gnomAD exomes below 0.00001; TOPMed 0.00002.

Submissions (2):

Ambry Genetics
Classification: Uncertain significance for Cardiovascular phenotype. Last evaluated: 2023-07-24. Review status: criteria provided, single submitter. Criteria: Ambry Variant Classification Scheme 2023. Collection method: clinical testing. Allele origin: germline.
Comment: The p.D98E variant (also known as c.294T>A), located in coding exon 4 of the TRPM4 gene, results from a T to A substitution at nucleotide position 294. The aspartic acid at codon 98 is replaced by glutamic acid, an amino acid with highly similar properties. This amino acid position is not well conserved in available vertebrate species, and glutamic acid is the reference amino acid in other vertebrate species. In addition, this alteration is predicted to be tolerated by in silico analysis. Since supporting evidence is limited at this time, the clinical significance of this alteration remains unclear.

Labcorp Genetics (formerly Invitae), Labcorp
Classification: Uncertain significance for Progressive familial heart block type IB. Last evaluated: 2022-05-26. Review status: criteria provided, single submitter. Criteria: Invitae Variant Classification Sherloc (09022015). Collection method: clinical testing. Allele origin: germline.
Comment: This sequence change replaces aspartic acid, which is acidic and polar, with glutamic acid, which is acidic and polar, at codon 98 of the TRPM4 protein (p.Asp98Glu). This variant is not present in population databases (gnomAD no frequency). This variant has not been reported in the literature in individuals affected with TRPM4-related conditions. ClinVar contains an entry for this variant (Variation ID: 1045237). Algorithms developed to predict the effect of missense changes on protein structure and function (SIFT, PolyPhen-2, Align-GVGD) all suggest that this variant is likely to be tolerated. In summary, the available evidence is currently insufficient to determine the role of this variant in disease. Therefore, it has been classified as a Variant of Uncertain Significance.